The following is an entry in ClinVar:

NM_004738.5(VAPB):c.*1282A>G

Gene: VAPB (VAMP associated protein B and C; plus strand). Cytogenetic location: 20q13.32.
Variant type: single nucleotide variant.
Coding change: c.*1282A>G on transcript NM_004738.5 (MANE Select); 1282 bases downstream of the stop codon, A replaced by G.
Molecular consequence: 3 prime UTR variant. On other transcripts: non-coding transcript variant (1).
Genome position (GRCh38, 1-based): chr20:58,445,517, A>G. VCF-style: chr20-58445517-A-G. GRCh37 (hg19) VCF-style: chr20-57020573-A-G.
Other names: c.*1352A>G (NM_001195677.2).
Identifiers: ClinVar variation 338947 (VCV000338947.7), dbSNP rs1802459, ClinGen allele CA9924428.
Genomic context (GRCh38, chr20:58,445,517, plus strand): 5'-GTGAATTAATTTTATGCCATAAAAGACCAACCCAGTTCTGTTTGACTATGTAGCATCTTG[A>G]AAAGAAAAATTATAATAAAGCCCCAAAATTAAGAATTCTTTTGTCATTTTGTCACATTTG-3'

ClinVar aggregate classification (germline): Benign. Review status: criteria provided, multiple submitters, no conflicts (2 of 4 stars). 3 submissions from 2 submitters: Benign (3). Last evaluated 2018-01-13.

Conditions:
Adult-onset proximal spinal muscular atrophy, autosomal dominant. Also called: FINKEL LATE-ADULT TYPE SMA; Spinal muscular atrophy, late-onset, finkel type. Identifiers: Orphanet 209335, MedGen C1854058, MONDO:0008453, OMIM 182980.
Amyotrophic lateral sclerosis type 8 (ALS8). Identifiers: Orphanet 803, MedGen C1837728, MONDO:0012077, OMIM 608627.

Allele frequency attached by ClinVar (database versions not stated): TOPMed 0.13983; gnomAD 0.15337 and 0.15777; gnomAD exomes 0.16275 and 0.16863; 1000 Genomes Project 30x 0.17505; 1000 Genomes Project 0.18031; ExAC 0.22200.
gnomAD v4.1: 74,736 of 454,294 alleles (16%); highest among the groups gnomAD compares: East Asian, 31%; 7,150 homozygotes.

Submissions (3):

Illumina Laboratory Services, Illumina
Classification: Benign for Adult-onset proximal spinal muscular atrophy, autosomal dominant. Last evaluated: 2018-01-13. Review status: criteria provided, single submitter. Criteria: ICSL Variant Classification Criteria 13 December 2019. Collection method: clinical testing. Allele origin: germline.
Comment: This variant was observed in the ICSL laboratory as part of a predisposition screen in an ostensibly healthy population. It had not been previously curated by ICSL or reported in the Human Gene Mutation Database (HGMD: prior to June 1st, 2018), and was therefore a candidate for classification through an automated scoring system. Utilizing variant allele frequency, disease prevalence and penetrance estimates, and inheritance mode, an automated score was calculated to assess if this variant is too frequent to cause the disease. Based on the score and internal cut-off values, a variant classified as benign is not then subjected to further curation. The score for this variant resulted in a classification of benign for this disease.

Illumina Laboratory Services, Illumina
Classification: Benign for Amyotrophic lateral sclerosis type 8. Last evaluated: 2018-01-13. Review status: criteria provided, single submitter. Criteria: ICSL Variant Classification Criteria 13 December 2019. Collection method: clinical testing. Allele origin: germline.
Comment: the same text as in the submission from Illumina Laboratory Services, Illumina above.

Breakthrough Genomics
Classification: Benign. Review status: criteria provided, single submitter. Criteria: ACMG Guidelines, 2015. Collection method: not provided. Allele origin: germline. Inheritance: Autosomal dominant inheritance. Affected: yes.